The following is an entry in ClinVar:

NM_001323289.2(CDKL5):c.1673G>A (p.Arg558His)

Gene: CDKL5 (cyclin dependent kinase like 5; plus strand). Cytogenetic location: Xp22.13.
Variant type: single nucleotide variant.
Coding change: c.1673G>A on transcript NM_001323289.2 (MANE Select); coding-DNA position 1673, G replaced by A.
Protein change: p.Arg558His; replaces arginine 558 with histidine.
Molecular consequence: missense variant.
Genome position (GRCh38, 1-based): chrX:18,604,597, G>A. VCF-style: chrX-18604597-G-A. GRCh37 (hg19) VCF-style: chrX-18622717-G-A.
Other names: c.1673G>A, p.Arg558His (NM_001037343.2, NM_003159.3); short protein forms R558H.
Identifiers: ClinVar variation 962204 (VCV000962204.8), dbSNP rs763991639, ClinGen allele CA10360404.

ClinVar aggregate classification (germline): Uncertain significance (1 of 4 stars; one submission).

Conditions:
Developmental and epileptic encephalopathy, 2 (DEE2). Also called: CDKL5 deficiency disorder; INFANTILE SPASM SYNDROME, X-LINKED 2. Identifiers: Orphanet 1934, Orphanet 3451, Orphanet 505652, MedGen C4750718, MONDO:0010396, OMIM 300672.
Angelman syndrome-like. Identifiers: MedGen CN128785.

Allele frequency attached by ClinVar (database versions not stated): gnomAD 0.00001; gnomAD exomes 0.00001 and 0.00002; ExAC 0.00002.
gnomAD v4.1: 9 of 1,210,356 alleles (0.00074%); highest among the groups gnomAD compares: South Asian, 0.0035%; no homozygotes.

Submission:

Labcorp Genetics (formerly Invitae), Labcorp
Classification: Uncertain significance for Developmental and epileptic encephalopathy, 2; Angelman syndrome-like. Last evaluated: 2021-08-14. Review status: criteria provided, single submitter. Criteria: Invitae Variant Classification Sherloc (09022015). Collection method: clinical testing. Allele origin: germline.
Comment: In summary, the available evidence is currently insufficient to determine the role of this variant in disease. Therefore, it has been classified as a Variant of Uncertain Significance. Algorithms developed to predict the effect of missense changes on protein structure and function are either unavailable or do not agree on the potential impact of this missense change (SIFT: "Deleterious"; PolyPhen-2: "Possibly Damaging"; Align-GVGD: "Class C0"). This variant has not been reported in the literature in individuals with CDKL5-related conditions. This variant is present in population databases (rs763991639, ExAC 0.01%). This sequence change replaces arginine with histidine at codon 558 of the CDKL5 protein (p.Arg558His). The arginine residue is highly conserved and there is a small physicochemical difference between arginine and histidine.